The following is an entry in ClinVar:

ClinVar aggregate classification (germline): Pathogenic (1 of 4 stars; one submission).

Conditions:
Cone-rod dystrophy 11 (CORD11). Identifiers: Orphanet 1872, MedGen C1835865, MONDO:0012483, OMIM 610381.

Submission:

MVZ Medizinische Genetik Mainz
Classification: Pathogenic for Cone-rod dystrophy 11. Last evaluated: 2021-07-12. Review status: criteria provided, single submitter. Criteria: UK Practice Guidelines For Variant Classification V4 01 2020. Collection method: clinical testing. Allele origin: germline. Inheritance: Autosomal dominant inheritance. Affected: yes. Observed: 1 variant allele.
Comment: ACMG Criteria: PVS1, PM2_SUP, PP4 (ACMG Version 3)

NM_001319074.4(RAX2):c.443dup (p.His149fs)

Gene: RAX2 (retina and anterior neural fold homeobox 2; minus strand). Cytogenetic location: 19p13.3.
Variant type: Duplication.
Coding change: c.443dup on transcript NM_001319074.4 (MANE Select); coding-DNA position 443, one base duplicated (C; older notation c.443dupC).
Protein change: p.His149fs; shifts the reading frame from histidine 149.
Molecular consequence: frameshift variant.
Genome position (GRCh38, 1-based): chr19:3,770,733, G duplicated on the plus strand (C on the coding strand, the reverse complement: RAX2 is on the minus strand); the first of 2 consecutive G bases (chr19:3,770,733-3,770,734); duplicating either gives the same sequence. VCF-style (leftmost placement, unchanged base first): chr19-3770732-A-AG. GRCh37 (hg19) VCF-style: chr19-3770730-A-AG.
Other names: c.443dup, p.His149fs (NM_032753.4); short protein forms H149fs.
Identifiers: ClinVar variation 3236193 (VCV003236193.1), dbSNP rs2512317329, ClinGen allele CA2825002759.